The following is an entry in ClinVar:

NM_000760.4(CSF3R):c.2422G>A (p.Glu808Lys)

Gene: CSF3R (colony stimulating factor 3 receptor; minus strand). Cytogenetic location: 1p34.3.
Variant type: single nucleotide variant.
Coding change: c.2422G>A on transcript NM_000760.4 (MANE Select); coding-DNA position 2422, G replaced by A.
Protein change: p.Glu808Lys; replaces glutamic acid 808 with lysine.
Molecular consequence: missense variant. On other transcripts: intron variant (1).
Genome position (GRCh38, 1-based): chr1:36,466,446, C>T on the plus strand (G>A on the coding strand, the complement: CSF3R is on the minus strand). VCF-style: chr1-36466446-C-T. GRCh37 (hg19) VCF-style: chr1-36932047-C-T.
Other names: p.Glu808Lys; c.2503G>A, p.Glu835Lys (LRG_144t1, NM_156039.3); c.2247+175G>A (NM_172313.3); short protein forms E808K, E835K.
Identifiers: ClinVar variation 434833 (VCV000434833.51), dbSNP rs146617729, ClinGen allele CA768896.

ClinVar aggregate classification (germline): Benign/Likely benign. Review status: criteria provided, multiple submitters, no conflicts (2 of 4 stars). 9 submissions from 9 submitters: Benign (4); Likely benign (5). Last evaluated 2026-09-01.

Conditions:
Autosomal recessive severe congenital neutropenia due to CSF3R deficiency. Also called: Neutropenia, severe congenital, 7, autosomal recessive. Identifiers: Orphanet 420702, MedGen C4310764, MONDO:0014865, OMIM 617014.
Hereditary neutrophilia. Identifiers: Orphanet 279943, MedGen C0543669, MONDO:0008092, OMIM 162830.

Allele frequency attached by ClinVar (database versions not stated): 1000 Genomes Project 30x 0.00172; 1000 Genomes Project 0.00200; gnomAD 0.00567 and 0.00588; TOPMed 0.00620; ExAC 0.00622; ESP Exome Variant Server 0.00623; gnomAD exomes 0.00653 and 0.00750.

Submissions (9):

CeGaT Center for Human Genetics Tuebingen
Classification: Likely benign. Last evaluated: 2026-09-01. Review status: criteria provided, single submitter. Criteria: CeGaT Center For Human Genetics Tuebingen Variant Classification Criteria Version 2. Collection method: clinical testing. Allele origin: germline. Affected: yes. Observed: 6 variant alleles.
Comment: CSF3R: BP4, BS2

Labcorp Genetics (formerly Invitae), Labcorp
Classification: Benign for Autosomal recessive severe congenital neutropenia due to CSF3R deficiency. Last evaluated: 2026-02-02. Review status: criteria provided, single submitter. Criteria: Invitae Variant Classification Sherloc (09022015). Collection method: clinical testing. Allele origin: germline.

Women's Health and Genetics/Laboratory Corporation of America, LabCorp
Classification: Benign. Last evaluated: 2026-01-29. Review status: criteria provided, single submitter. Criteria: LabCorp Variant Classification Summary - May 2015. Collection method: clinical testing. Allele origin: germline.
Comment: Variant summary: CSF3R c.2503G>A (p.Glu835Lys) results in a conservative amino acid change in the encoded protein sequence. Algorithms developed to predict the effect of missense changes on protein structure and function are either unavailable or do not agree on the potential impact of this missense change. The variant allele was found at a frequency of 0.0065 in 247678 control chromosomes, predominantly at a frequency of 0.0085 within the Non-Finnish European subpopulation in the gnomAD database, including 5 homozygotes. The observed variant frequency within Non-Finnish European control individuals in the gnomAD database exceeds the estimated maximal expected allele frequency for disease-causing variants in CSF3R. To our knowledge, no occurrence of c.2503G>A in individuals affected with CSF3R-related conditions and no experimental evidence demonstrating its impact on protein function have been reported. ClinVar contains an entry for this variant (Variation ID: 434833). Based on the evidence outlined above, the variant was classified as benign.

Mayo Clinic Laboratories, Mayo Clinic
Classification: Benign. Last evaluated: 2025-06-24. Review status: criteria provided, single submitter. Criteria: ACMG Guidelines, 2015. Collection method: clinical testing. Allele origin: germline. Observed: 13 variant alleles.
Comment: BS1, BS2, BP4_moderate

ARUP Laboratories, Molecular Genetics and Genomics, ARUP Laboratories
Classification: Benign. Last evaluated: 2025-03-06. Review status: criteria provided, single submitter. Criteria: ARUP Molecular Germline Variant Investigation Process 2024. Collection method: clinical testing. Allele origin: germline.

Blueprint Genetics
Classification: Likely benign. Last evaluated: 2024-11-26. Review status: criteria provided, single submitter. Criteria: ACMG Guidelines, 2015. Collection method: clinical testing. Allele origin: germline.

Fulgent Genetics
Classification: Likely benign for Hereditary neutrophilia; Autosomal recessive severe congenital neutropenia due to CSF3R deficiency. Last evaluated: 2021-07-02. Review status: criteria provided, single submitter. Criteria: ACMG Guidelines, 2015. Collection method: clinical testing. Allele origin: unknown.

Genetic Services Laboratory, University of Chicago
Classification: Likely benign. Last evaluated: 2016-09-23. Review status: criteria provided, single submitter. Criteria: ACMG Guidelines, 2015. Collection method: clinical testing. Allele origin: germline. Affected: no.

Breakthrough Genomics
Classification: Likely benign. Review status: criteria provided, single submitter. Criteria: ACMG Guidelines, 2015. Collection method: not provided. Allele origin: germline. Inheritance: Autosomal recessive inheritance. Affected: yes.

Literature cited by the submitters: PubMed 24627528 (cited by Women's Health and Genetics/Laboratory Corporation of America, LabCorp); PubMed 23656643 (cited by Women's Health and Genetics/Laboratory Corporation of America, LabCorp); PubMed 23604229 (cited by Women's Health and Genetics/Laboratory Corporation of America, LabCorp); PubMed 27069254 (cited by Women's Health and Genetics/Laboratory Corporation of America, LabCorp); PubMed 15644419 (cited by Mayo Clinic Laboratories, Mayo Clinic); PubMed 24822171 (cited by Mayo Clinic Laboratories, Mayo Clinic); PubMed 26475333 (cited by Mayo Clinic Laboratories, Mayo Clinic); PubMed 38003211 (cited by Mayo Clinic Laboratories, Mayo Clinic); PubMed 39080258 (cited by Mayo Clinic Laboratories, Mayo Clinic); PubMed 8751483 (cited by Mayo Clinic Laboratories, Mayo Clinic).